The following is an entry in ClinVar:

ClinVar aggregate classification (germline): Uncertain significance. Review status: criteria provided, multiple submitters, no conflicts (2 of 4 stars). 7 submissions from 7 submitters: Uncertain significance (7). Last evaluated 2025-08-24.

Conditions:
Cardiovascular phenotype. Identifiers: MedGen CN230736.
Myosin storage myopathy (CMYO7A). Also called: MYOPATHY, HYALINE BODY, AUTOSOMAL DOMINANT; Scapuloperoneal myopathy, MYH7-related; MYH7-related late-onset scapuloperoneal muscular dystrophy; Congenital myopathy 7A, myosin storage, autosomal dominant; MYOPATHY WITH LYSIS OF TYPE I MYOFIBRILS; SCAPULOPERONEAL MUSCULAR DYSTROPHY. Identifiers: Orphanet 437572, Orphanet 636965, MedGen C1842160, MONDO:0008409, OMIM 608358.
Myopathy, myosin storage, autosomal recessive (CMYO7B). Also called: CONGENITAL MYOPATHY 7B, MYOSIN STORAGE, AUTOSOMAL RECESSIVE. Identifiers: Orphanet 636970, MedGen C1850709, MONDO:0009708, OMIM 255160.
Hypertrophic cardiomyopathy 1 (CMH1). Also called: Familial hypertrophic cardiomyopathy 1; MYH7-Related Familial Hypertrophic Cardiomyopathy. Identifiers: MedGen C3495498, MONDO:0008647, OMIM 192600.
MYH7-related skeletal myopathy. Also called: Myopathy, distal, 1; MYOPATHY, DISTAL, EARLY-ONSET, AUTOSOMAL DOMINANT; MYOPATHY, LATE DISTAL HEREDITARY; Laing distal myopathy; Laing early-onset distal myopathy. Identifiers: Orphanet 59135, MedGen C4552004, MONDO:0008050, OMIM 160500.
Congenital myopathy with fiber type disproportion. Also called: Congenital fiber-type disproportion; Congenital fiber-type disproportion myopathy. Identifiers: Orphanet 2020, MedGen C0546264, MONDO:0009711. Inheritance: all.
Dilated cardiomyopathy 1S (CMD1S). Identifiers: Orphanet 154, Orphanet 54260, MedGen C1834481, MONDO:0013262, OMIM 613426.
Cardiomyopathy (CMYO). Also called: Cardiomyopathies. Identifiers: Orphanet 167848, MedGen C0878544, MONDO:0004994, HP:0001638. Inheritance: Various modes of inheritance.
Hypertrophic cardiomyopathy. Also called: HYPERTROPHIC MYOCARDIOPATHY. Identifiers: Orphanet 217569, MedGen C0007194, MeSH D002312, MONDO:0005045, HP:0001639.

Allele frequency attached by ClinVar (database versions not stated): TOPMed below 0.00001; gnomAD 0.00001; gnomAD exomes 0.00001; ExAC 0.00002.

Submissions (7):

Labcorp Genetics (formerly Invitae), Labcorp
Classification: Uncertain significance for Hypertrophic cardiomyopathy. Last evaluated: 2025-08-24. Review status: criteria provided, single submitter. Criteria: Invitae Variant Classification Sherloc (09022015). Collection method: clinical testing. Allele origin: germline.
Comment: This sequence change replaces valine, which is neutral and non-polar, with isoleucine, which is neutral and non-polar, at codon 1407 of the MYH7 protein (p.Val1407Ile). This variant is present in population databases (rs730880795, gnomAD 0.003%). This variant has not been reported in the literature in individuals affected with MYH7-related conditions. ClinVar contains an entry for this variant (Variation ID: 181249). Invitae Evidence Modeling of protein sequence and biophysical properties (such as structural, functional, and spatial information, amino acid conservation, physicochemical variation, residue mobility, and thermodynamic stability) indicates that this missense variant is expected to disrupt MYH7 protein function with a positive predictive value of 95%. In summary, the available evidence is currently insufficient to determine the role of this variant in disease. Therefore, it has been classified as a Variant of Uncertain Significance.

Blueprint Genetics
Classification: Uncertain significance. Last evaluated: 2024-11-25. Review status: criteria provided, single submitter. Criteria: ACMG Guidelines, 2015. Collection method: clinical testing. Allele origin: germline.

All of Us Research Program, National Institutes of Health
Classification: Uncertain significance for Cardiomyopathy. Last evaluated: 2024-09-23. Review status: criteria provided, single submitter. Criteria: ACMG Guidelines, 2015. Collection method: clinical testing. Allele origin: germline. Inheritance: Autosomal dominant inheritance. Observed: 4 variant alleles, 4 heterozygotes.
Comment: This missense variant replaces valine with isoleucine at codon 1407 of the MYH7 protein. Computational prediction suggests that this variant may not impact protein structure and function (internally defined REVEL score threshold <= 0.5, PMID: 27666373). To our knowledge, functional studies have not been reported for this variant. This variant has been reported in an individual affected with hypertrophic cardiomyopathy (PMID: 33495597). This variant has been identified in 5/282872 chromosomes in the general population by the Genome Aggregation Database (gnomAD). The available evidence is insufficient to determine the role of this variant in disease conclusively. Therefore, this variant is classified as a Variant of Uncertain Significance.

This study involves interpretation of variants in research participants for the purpose of population health screening. Participant phenotype was not available at the time of variant classification. Additional details can be found in publication PMID: 35346344, PMCID: PMC8962531

Ambry Genetics
Classification: Uncertain significance for Cardiovascular phenotype. Last evaluated: 2024-03-28. Review status: criteria provided, single submitter. Criteria: Ambry Variant Classification Scheme 2023. Collection method: clinical testing. Allele origin: germline.
Comment: The p.V1407I variant (also known as c.4219G>A), located in coding exon 29 of the MYH7 gene, results from a G to A substitution at nucleotide position 4219. The valine at codon 1407 is replaced by isoleucine, an amino acid with highly similar properties. This alteration has been reported in a hypertrophic cardiomyopathy (HCM) cohort (Harper AR et al. Nat Genet, 2021 Feb;53:135-142). This amino acid position is well conserved in available vertebrate species. In addition, the in silico prediction for this alteration is inconclusive. Based on the available evidence, the clinical significance of this alteration remains unclear.

Color Diagnostics, LLC DBA Color Health
Classification: Uncertain significance for Cardiomyopathy. Last evaluated: 2023-11-15. Review status: criteria provided, single submitter. Criteria: ACMG Guidelines, 2015. Collection method: clinical testing. Allele origin: germline.
Comment: This missense variant replaces valine with isoleucine at codon 1407 of the MYH7 protein. Computational prediction suggests that this variant may not impact protein structure and function. To our knowledge, functional studies have not been reported for this variant. This variant has been reported in an individual affected with hypertrophic cardiomyopathy (PMID: 33495597). This variant has been identified in 5/282872 chromosomes in the general population by the Genome Aggregation Database (gnomAD). The available evidence is insufficient to determine the role of this variant in disease conclusively. Therefore, this variant is classified as a Variant of Uncertain Significance.

Fulgent Genetics
Classification: Uncertain significance for MYH7-related skeletal myopathy; Myosin storage myopathy; Hypertrophic cardiomyopathy 1; Myopathy, myosin storage, autosomal recessive; Congenital myopathy 4A, autosomal dominant; Dilated cardiomyopathy 1S. Last evaluated: 2021-10-13. Review status: criteria provided, single submitter. Criteria: ACMG Guidelines, 2015. Collection method: clinical testing. Allele origin: unknown.

GeneDx
Classification: Uncertain significance. Last evaluated: 2018-01-12. Review status: criteria provided, single submitter. Criteria: GeneDx Variant Classification (06012015). Collection method: clinical testing. Allele origin: germline. Affected: yes.
Comment: p.Val1407Ile (GTT>ATT): c.4219 G>A in exon 31 of the MYH7 gene (NM_000257.2). A variant of unknown significance has been identified in the MYH7 gene. The V1407I variant has not been published as a mutation or as a benign polymorphism to our knowledge. The V1407I variant was not observed in approximately 6,500 individuals of European and African American ancestry in the NHLBI Exome Sequencing Project, indicating it is not a common benign variant in these populations. In addition, this substitution occurs at a position that is completely conserved in mammals. Moreover, a missense mutation in a nearby residue L1414M has been reported in association with HCM, supporting the functional importance of this region of the protein. Nevertheless, the V1407I variant is a conservative amino acid substitution, which is not likely to impact secondary protein structure as these residues share similar properties. In silico analysis is inconsistent in its predictions as to whether or not the variant is damaging to the protein structure/function. Therefore, based on the currently available information, it is unclear whether this variant is a pathogenic mutation or a rare benign variant. The variant is found in CARDIOMYOPATHY panel(s).

Literature cited by the submitters: PubMed 33495597 (cited by 3 submitters).

NM_000257.4(MYH7):c.4219G>A (p.Val1407Ile)

Gene: MYH7 (myosin heavy chain 7; minus strand). Cytogenetic location: 14q11.2.
Variant type: single nucleotide variant.
Coding change: c.4219G>A on transcript NM_000257.4 (MANE Select); coding-DNA position 4219, G replaced by A.
Protein change: p.Val1407Ile; replaces valine 1407 with isoleucine.
Molecular consequence: missense variant.
Genome position (GRCh38, 1-based): chr14:23,417,637, C>T on the plus strand (G>A on the coding strand, the complement: MYH7 is on the minus strand). VCF-style: chr14-23417637-C-T. GRCh37 (hg19) VCF-style: chr14-23886846-C-T.
Other names: p.V1407I:GTT>ATT; c.4219G>A (LRG_384t1); short protein forms V1407I.
Identifiers: ClinVar variation 181249 (VCV000181249.18), dbSNP rs730880795, ClinGen allele CA014677.